The following is an entry in ClinVar:

NM_152743.4(BRAT1):c.393_422dup (p.Gln132_Ala141dup)

Gene: BRAT1 (BRCA1 associated ATM activator 1; minus strand). Cytogenetic location: 7p22.3.
Variant type: Duplication.
Coding change: c.393_422dup on transcript NM_152743.4 (MANE Select); coding-DNA positions 393 to 422, 30 bases duplicated (ACAGCACCCCAGCGCCCTGCGCTTCCTGGC).
Protein change: p.Gln132_Ala141dup.
Molecular consequence: inframe insertion. On other transcripts: non-coding transcript variant (1), intron variant (1).
Genome position (GRCh38, 1-based): chr7:2,544,917-2,544,946, GCCAGGAAGCGCAGGGCGCTGGGGTGCTGT duplicated on the plus strand (ACAGCACCCCAGCGCCCTGCGCTTCCTGGC on the coding strand, the reverse complement: BRAT1 is on the minus strand); duplicating any 30 consecutive bases within chr7:2,544,917-2,544,952 gives the same sequence; the c. name uses the placement nearest the transcript's 3' end. VCF-style (leftmost placement, unchanged base first): chr7-2544916-G-GGCCAGGAAGCGCAGGGCGCTGGGGTGCTGT. GRCh37 (hg19) VCF-style: chr7-2584550-G-GGCCAGGAAGCGCAGGGCGCTGGGGTGCTGT.
Other names: NM_152743.4(BRAT1):c.393_422dup; p.Gln132_Ala141dup; c.393_422dup, p.Gln132_Ala141dup (NM_001350626.2); c.-95-984_-95-955dup (NM_001350627.2).
Identifiers: ClinVar variation 665075 (VCV000665075.5), dbSNP rs1562582216, ClinGen allele CA915944818.
Genomic context (GRCh38, chr7:2,544,916, plus strand): 5'-CCTGGGATCACACAGGCAGGATGAGGAATGGGGTGGGGTGTGGGCGCACTCACCATGGTC[G>GGCCAGGAAGCGCAGGGCGCTGGGGTGCTGT]GCCAGGAAGCGCAGGGCGCTGGGGTGCTGTGCCAGGGAGCGCAGGCCCTGGATCCAGCCG-3'

ClinVar aggregate classification (germline): Conflicting classifications of pathogenicity. Review status: criteria provided, conflicting classifications (1 of 4 stars). 4 submissions from 4 submitters: Pathogenic (1); Uncertain significance (3). Last evaluated 2022-05-04.

Conditions:
Neonatal-onset encephalopathy with rigidity and seizures. Also called: Lethal neonatal spasticity-epileptic encephalopathy syndrome. Identifiers: Orphanet 435845, MedGen C3281029, MONDO:0013784, OMIM 614498.
Neurodevelopmental disorder with cerebellar atrophy and with or without seizures. Identifiers: MedGen C4748032, MONDO:0020841, OMIM 618056.

Submissions (4):

Broad Center for Mendelian Genomics, Broad Institute of MIT and Harvard
Classification: Uncertain significance for Neurodevelopmental disorder with cerebellar atrophy and with or without seizures. Last evaluated: 2022-05-04. Review status: criteria provided, single submitter. Criteria: ACMG Guidelines, 2015. Collection method: curation. Allele origin: germline. Inheritance: Autosomal recessive inheritance.
Comment: The variant has not been previously reported in individuals with neurodevelopmental disorder with cerebellar atrophy with or without seizures and was absent from large population studies. This variant has been reported in ClinVar (Variation ID: 665075) as having uncertain significance by Invitae. This variant is an insertion of 30 bases at position 393 and is not predicted to alter the protein reading-frame. It is unclear if this insertion will impact the protein. In summary, the clinical significance of the p.Gln132_Ala141dup variant is uncertain. ACMG/AMP Criteria applied: PM4, PM2, PM3_supporting (Richards 2015).

AiLife Diagnostics
Classification: Uncertain significance. Last evaluated: 2022-03-03. Review status: criteria provided, single submitter. Criteria: ACMG Guidelines, 2015. Collection method: clinical testing. Allele origin: germline. Affected: yes. Observed: 1 variant allele.

Hadassah Hebrew University Medical Center
Classification: Pathogenic for Neonatal-onset encephalopathy with rigidity and seizures. Last evaluated: 2019-06-20. Review status: criteria provided, single submitter. Criteria: ACMG Guidelines, 2015. Collection method: clinical testing. Allele origin: germline. Inheritance: Autosomal recessive inheritance. Affected: yes. Observed: 4 heterozygotes, 5 homozygotes.

Labcorp Genetics (formerly Invitae), Labcorp
Classification: Uncertain significance for Rigidity and multifocal seizure syndrome, lethal neonatal. Last evaluated: 2018-11-26. Review status: criteria provided, single submitter. Criteria: Invitae Variant Classification Sherloc (09022015). Collection method: clinical testing. Allele origin: germline.
Comment: This variant, c.393_422dup, results in the insertion of 10 amino acid(s) to the BRAT1 protein (p.Gln132_Ala141dup), but otherwise preserves the integrity of the reading frame. This variant is not present in population databases (ExAC no frequency). This variant has not been reported in the literature in individuals with BRAT1-related disease. Experimental studies and prediction algorithms are not available for this variant, and the functional significance of the affected amino acid(s) is currently unknown. Algorithms developed to predict the effect of sequence changes on RNA splicing suggest that this variant may create or strengthen a splice site, but this prediction has not been confirmed by published transcriptional studies. In summary, the available evidence is currently insufficient to determine the role of this variant in disease. Therefore, it has been classified as a Variant of Uncertain Significance.